The following is an entry in ClinVar:

ClinVar aggregate classification (germline): Benign/Likely benign. Review status: criteria provided, multiple submitters, no conflicts (2 of 4 stars). 2 submissions from 2 submitters: Benign (1); Likely benign (1). Last evaluated 2025-12-16.

Conditions:
Epidermolysis bullosa simplex 3, localized or generalized intermediate, with BP230 deficiency (EBS3). Also called: Epidermolysis bullosa simplex due to BP230 deficiency; Epidermolysis bullosa simplex, autosomal recessive 2. Identifiers: Orphanet 412181, MedGen C3809470, MONDO:0014180, OMIM 615425.
Hereditary sensory and autonomic neuropathy type 6. Also called: HSAN VI; Neuropathy, hereditary sensory and autonomic, type VI. Identifiers: Orphanet 314381, MedGen C3539003, MONDO:0013839, OMIM 614653.
DST-related disorder. Also called: DST-related disorders; DST-related condition.

Allele frequency attached by ClinVar (database versions not stated): gnomAD 0.00010; TOPMed 0.00015; ExAC 0.00028.
gnomAD v4.1: 69 of 1,578,472 alleles (0.0044%); highest among the groups gnomAD compares: East Asian, 0.14%; no homozygotes.

Submissions (2):

Labcorp Genetics (formerly Invitae), Labcorp
Classification: Benign for Epidermolysis bullosa simplex 3, localized or generalized intermediate, with BP230 deficiency; Hereditary sensory and autonomic neuropathy type 6. Last evaluated: 2025-12-16. Review status: criteria provided, single submitter. Criteria: Invitae Variant Classification Sherloc (09022015). Collection method: clinical testing. Allele origin: germline.

PreventionGenetics, part of Exact Sciences
Classification: Likely benign for DST-related condition. Last evaluated: 2025-03-12. Review status: criteria provided, single submitter. Criteria: ACMG Guidelines, 2015. Collection method: clinical testing. Allele origin: germline.
Comment: This variant is classified as likely benign based on ACMG/AMP sequence variant interpretation guidelines (Richards et al. 2015 PMID: 25741868, with internal and published modifications).

NM_001374736.1(DST):c.4831-6T>A

Gene: DST (dystonin; minus strand). Cytogenetic location: 6p12.1.
Variant type: single nucleotide variant.
Coding change: c.4831-6T>A on transcript NM_001374736.1 (MANE Select); 6 bases into the intron before coding-DNA position 4831, T replaced by A.
Molecular consequence: intron variant.
Genome position (GRCh38, 1-based): chr6:56,624,634, A>T on the plus strand (T>A on the coding strand, the complement: DST is on the minus strand). VCF-style: chr6-56624634-A-T. GRCh37 (hg19) VCF-style: chr6-56489432-A-T.
Other names: c.4732-6T>A (NM_001144769.5); c.4831-6T>A (NM_001374722.1); c.4858-6T>A (NM_001374734.1); c.4318-6T>A (NM_001144770.2); c.4198-6T>A (NM_001374730.1, NM_001386100.1, NM_183380.4 and 1 more transcripts); c.3220-6T>A (NM_015548.5, NM_001723.7).
Identifiers: ClinVar variation 357592 (VCV000357592.16), dbSNP rs751953259, ClinGen allele CA3870780.